The following is an entry in ClinVar:

NM_015627.3(LDLRAP1):c.169C>T (p.Leu57=)

Gene: LDLRAP1 (low density lipoprotein receptor adaptor protein 1; plus strand). Cytogenetic location: 1p36.11.
Variant type: single nucleotide variant.
Coding change: c.169C>T on transcript NM_015627.3 (MANE Select); coding-DNA position 169, C replaced by T.
Protein change: p.Leu57=; no amino-acid change (leucine 57 retained).
Molecular consequence: synonymous variant.
Genome position (GRCh38, 1-based): chr1:25,554,002, C>T. VCF-style: chr1-25554002-C-T. GRCh37 (hg19) VCF-style: chr1-25880493-C-T.
Identifiers: ClinVar variation 1778310 (VCV001778310.3), dbSNP rs778147232, ClinGen allele CA695451.
Genomic context (GRCh38, chr1:25,554,002, plus strand): 5'-GACACGCGGGAGACGCTGCTGGAGGGGATGCTGTTCAGCCTCAAGTACCTGGGCATGACG[C>T]TAGTGGAGCAGCCCAAGGGTGAGGAGCTGTCGGCCGCCGCCATCAAGAGGATCGTGGCTA-3'
Protein context (NP_056442.2, residues 47-67): LFSLKYLGMT[Leu57=]VEQPKGEELS

ClinVar aggregate classification (germline): Likely benign. Review status: criteria provided, multiple submitters, no conflicts (2 of 4 stars). 2 submissions from 2 submitters: Likely benign (2). Last evaluated 2023-12-18.

Conditions:
Cardiovascular phenotype. Identifiers: MedGen CN230736.
Hypercholesterolemia, familial, 4 (FHCL4). Also called: HYPERCHOLESTEROLEMIA, AUTOSOMAL RECESSIVE, 1; HYPERCHOLESTEROLEMIA, AUTOSOMAL RECESSIVE, 2. Identifiers: Orphanet 391665, MedGen C1863512, MONDO:0011374, OMIM 603813.

Allele frequency attached by ClinVar (database versions not stated): gnomAD 0.00001; ExAC 0.00002.
gnomAD v4.1: 8 of 1,614,104 alleles (0.0005%); highest among the groups gnomAD compares: Middle Eastern, 0.016%; no homozygotes.

Submissions (2):

GENinCode PLC
Classification: Likely benign for Hypercholesterolemia, familial, 4. Last evaluated: 2023-12-18. Review status: criteria provided, single submitter. Criteria: ACMG Guidelines, 2015. Collection method: clinical testing. Allele origin: germline.
Comment: This is a synonymous (silent) variant that is not predicted by SpliceAI to impact splicing. In addition, it occurs at a nucleotide that is not conserved. Therefore this variant has been classified as Likely Benign (BP4, BP7).

Ambry Genetics
Classification: Likely benign for Cardiovascular phenotype. Last evaluated: 2021-03-06. Review status: criteria provided, single submitter. Criteria: Ambry Variant Classification Scheme 2023. Collection method: clinical testing. Allele origin: germline.